The following is an entry in ClinVar:

NM_001127222.2(CACNA1A):c.1364C>T (p.Ala455Val)

Gene: CACNA1A (calcium voltage-gated channel subunit alpha1 A; minus strand). Cytogenetic location: 19p13.13.
Variant type: single nucleotide variant.
Coding change: c.1364C>T on transcript NM_001127222.2 (MANE Select); coding-DNA position 1364, C replaced by T.
Protein change: p.Ala455Val; replaces alanine 455 with valine.
Molecular consequence: missense variant.
Genome position (GRCh38, 1-based): chr19:13,317,303, G>A on the plus strand (C>T on the coding strand, the complement: CACNA1A is on the minus strand). VCF-style: chr19-13317303-G-A. GRCh37 (hg19) VCF-style: chr19-13428117-G-A.
Other names: c.1367C>T, p.Ala456Val (NM_000068.4, NM_001127221.2, NM_001174080.2 and 1 more transcripts); short protein forms A456V, A455V.
Identifiers: ClinVar variation 4792970 (VCV004792970.1).

ClinVar aggregate classification (germline): Uncertain significance (1 of 4 stars; one submission).

Conditions:
Episodic ataxia type 2 (EA2). Also called: ACETAZOLAMIDE-RESPONSIVE HEREDITARY PAROXYSMAL CEREBELLAR ATAXIA; ATAXIA, EPISODIC, WITH NYSTAGMUS; ATAXIA, FAMILIAL PAROXYSMAL; CEREBELLAR ATAXIA, PAROXYSMAL, ACETAZOLAMIDE-RESPONSIVE; CEREBELLOPATHY, HEREDITARY PAROXYSMAL; EPISODIC ATAXIA, NYSTAGMUS-ASSOCIATED. Identifiers: Orphanet 97, MedGen C1720416, MONDO:0007163, OMIM 108500.
Developmental and epileptic encephalopathy, 42 (DEE42A). Also called: Epileptic encephalopathy, early infantile, 42; DEVELOPMENTAL AND EPILEPTIC ENCEPHALOPATHY 42A; EPILEPTIC ENCEPHALOPATHY, EARLY INFANTILE, 42A. Identifiers: MedGen C4310716, MONDO:0014917, OMIM 617106.

gnomAD v4.1: 2 of 1,605,816 alleles (0.00012%); highest among the groups gnomAD compares: Non-Finnish European, 0.000085%; no homozygotes.

Submission:

Labcorp Genetics (formerly Invitae), Labcorp
Classification: Uncertain significance for Developmental and epileptic encephalopathy, 42; Episodic ataxia type 2. Last evaluated: 2025-04-16. Review status: criteria provided, single submitter. Criteria: Invitae Variant Classification Sherloc (09022015). Collection method: clinical testing. Allele origin: germline.
Comment: This sequence change replaces alanine, which is neutral and non-polar, with valine, which is neutral and non-polar, at codon 456 of the CACNA1A protein (p.Ala456Val). This variant is present in population databases (no rsID available, gnomAD 0.004%). This variant has not been reported in the literature in individuals affected with CACNA1A-related conditions. Invitae Evidence Modeling of protein sequence and biophysical properties (such as structural, functional, and spatial information, amino acid conservation, physicochemical variation, residue mobility, and thermodynamic stability) has been performed for this missense variant. However, the output from this modeling did not meet the statistical confidence thresholds required to predict the impact of this variant on CACNA1A protein function. In summary, the available evidence is currently insufficient to determine the role of this variant in disease. Therefore, it has been classified as a Variant of Uncertain Significance.